The following is an entry in ClinVar:

ClinVar aggregate classification (germline): Uncertain significance (1 of 4 stars; one submission).

Conditions:
Familial cold autoinflammatory syndrome 3 (FCAS3). Also called: FAMILIAL ATYPICAL COLD URTICARIA; ANTIBODY DEFICIENCY AND IMMUNE DYSREGULATION, PLCG2-ASSOCIATED. Identifiers: Orphanet 300359, MedGen C3280914, MONDO:0013766, OMIM 614468.

Allele frequency attached by ClinVar (database versions not stated): TOPMed below 0.00001; ExAC 0.00001; gnomAD 0.00001; ESP Exome Variant Server 0.00008.
gnomAD v4.1: 2 of 1,609,094 alleles (0.00012%); highest among the groups gnomAD compares: Non-Finnish European, 0.000085%; no homozygotes.

Submission:

Labcorp Genetics (formerly Invitae), Labcorp
Classification: Uncertain significance for Familial cold autoinflammatory syndrome 3. Last evaluated: 2025-04-17. Review status: criteria provided, single submitter. Criteria: Invitae Variant Classification Sherloc (09022015). Collection method: clinical testing. Allele origin: germline.
Comment: This sequence change replaces proline, which is neutral and non-polar, with serine, which is neutral and polar, at codon 762 of the PLCG2 protein (p.Pro762Ser). This variant is present in population databases (rs368910187, gnomAD 0.0009%). This variant has not been reported in the literature in individuals affected with PLCG2-related conditions. ClinVar contains an entry for this variant (Variation ID: 2071246). An algorithm developed to predict the effect of missense changes on protein structure and function (PolyPhen-2) suggests that this variant is likely to be disruptive. In summary, the available evidence is currently insufficient to determine the role of this variant in disease. Therefore, it has been classified as a Variant of Uncertain Significance.

NM_002661.5(PLCG2):c.2284C>T (p.Pro762Ser)

Gene: PLCG2 (phospholipase C gamma 2; plus strand). Cytogenetic location: 16q23.3.
Variant type: single nucleotide variant.
Coding change: c.2284C>T on transcript NM_002661.5 (MANE Select); coding-DNA position 2284, C replaced by T.
Protein change: p.Pro762Ser; replaces proline 762 with serine.
Molecular consequence: missense variant.
Genome position (GRCh38, 1-based): chr16:81,921,246, C>T. VCF-style: chr16-81921246-C-T. GRCh37 (hg19) VCF-style: chr16-81954851-C-T.
Other names: short protein forms P762S.
Identifiers: ClinVar variation 2071246 (VCV002071246.4), dbSNP rs368910187, ClinGen allele CA8194162.
Genomic context (GRCh38, chr16:81,921,246, plus strand): 5'-TTTTTTTTCCAGGAAAGAGATATAAACTCCCTCTACGACGTCAGCAGAATGTATGTGGAT[C>T]CCAGTGAAATCAATCCGTCCATGGTACGGTGCCGAACCTCCAATTCACATGATTTTGGAG-3'
Protein context (NP_002652.2, residues 752-772): LYDVSRMYVD[Pro762Ser]SEINPSMPQR